The following is an entry in ClinVar:

ClinVar aggregate classification (germline): Uncertain significance (1 of 4 stars; one submission).

Submission:

GeneDx
Classification: Uncertain significance. Last evaluated: 2025-08-13. Review status: criteria provided, single submitter. Criteria: GeneDx Variant Classification Process June 2021. Collection method: clinical testing. Allele origin: germline. Affected: yes.
Comment: Not observed at significant frequency in large population cohorts (gnomAD); In silico analysis suggests that this missense variant does not alter protein structure/function; Has not been previously published as pathogenic or benign to our knowledge

NM_004397.6(DDX6):c.5G>A (p.Ser2Asn)

Gene: DDX6 (DEAD-box helicase 6; minus strand). Cytogenetic location: 11q23.3.
Variant type: single nucleotide variant.
Coding change: c.5G>A on transcript NM_004397.6 (MANE Select); coding-DNA position 5, G replaced by A.
Protein change: p.Ser2Asn; replaces serine 2 with asparagine.
Molecular consequence: missense variant. On other transcripts: intron variant (1).
Genome position (GRCh38, 1-based): chr11:118,786,247, C>T on the plus strand (G>A on the coding strand, the complement: DDX6 is on the minus strand). VCF-style: chr11-118786247-C-T. GRCh37 (hg19) VCF-style: chr11-118656956-C-T.
Other names: c.5G>A, p.Ser2Asn (NM_001257191.3, NM_001425145.1, NM_001425146.1 and 7 more transcripts); c.-125+4851G>A (NM_001425154.1); short protein forms S2N.
Identifiers: ClinVar variation 4795306 (VCV004795306.1).